The following is an entry in ClinVar:

NM_000266.4(NDP):c.339dup (p.Met114fs)

Genes: NDP (norrin cystine knot growth factor NDP; minus strand), NDP-AS1 (NDP antisense RNA 1; plus strand). Cytogenetic location: Xp11.3.
Variant type: Duplication.
Coding change: c.339dup on transcript NM_000266.4 (MANE Select); coding-DNA position 339, one base duplicated (C; older notation c.339dupC).
Protein change: p.Met114fs; shifts the reading frame from methionine 114.
Molecular consequence: frameshift variant. On other transcripts: non-coding transcript variant (1).
Genome position (GRCh38, 1-based): chrX:43,949,862, G duplicated on the plus strand (C on the coding strand, the reverse complement: NDP is on the minus strand). VCF-style (leftmost placement, unchanged base first): chrX-43949861-T-TG. GRCh37 (hg19) VCF-style: chrX-43809107-T-TG.
Other names: short protein forms M114fs.
Identifiers: ClinVar variation 2013719 (VCV002013719.4), dbSNP rs2519314854, ClinGen allele CA2580100949.

ClinVar aggregate classification (germline): Pathogenic (1 of 4 stars; one submission).

Submission:

Labcorp Genetics (formerly Invitae), Labcorp
Classification: Pathogenic. Last evaluated: 2022-07-03. Review status: criteria provided, single submitter. Criteria: Invitae Variant Classification Sherloc (09022015). Collection method: clinical testing. Allele origin: germline.
Comment: For these reasons, this variant has been classified as Pathogenic. This variant disrupts a region of the NDP protein in which other variant(s) (p.Cys131*) have been determined to be pathogenic (PMID: 25711638; Invitae). This suggests that this is a clinically significant region of the protein, and that variants that disrupt it are likely to be disease-causing. This variant has not been reported in the literature in individuals affected with NDP-related conditions. This variant is not present in population databases (gnomAD no frequency). This sequence change results in a frameshift in the NDP gene (p.Met114Hisfs*35). While this is not anticipated to result in nonsense mediated decay, it is expected to disrupt the last 20 amino acid(s) of the NDP protein and extend the protein by 14 additional amino acid residues.

Literature cited by the submitters: PubMed 25711638.